The following is an entry in ClinVar:

NM_000836.4(GRIN2D):c.3350A>G (p.Asp1117Gly)

Gene: GRIN2D (glutamate ionotropic receptor NMDA type subunit 2D; plus strand). Cytogenetic location: 19q13.33.
Variant type: single nucleotide variant.
Coding change: c.3350A>G on transcript NM_000836.4 (MANE Select); coding-DNA position 3350, A replaced by G.
Protein change: p.Asp1117Gly; replaces aspartic acid 1117 with glycine.
Molecular consequence: missense variant.
Genome position (GRCh38, 1-based): chr19:48,443,276, A>G. VCF-style: chr19-48443276-A-G. GRCh37 (hg19) VCF-style: chr19-48946533-A-G.
Other names: short protein forms D1117G.
Identifiers: ClinVar variation 2066315 (VCV002066315.4), dbSNP rs1971329907, ClinGen allele CA406675759.

ClinVar aggregate classification (germline): Uncertain significance (1 of 4 stars; one submission).

Allele frequency attached by ClinVar (database versions not stated): gnomAD 0.00001.

Submission:

Labcorp Genetics (formerly Invitae), Labcorp
Classification: Uncertain significance. Last evaluated: 2021-12-30. Review status: criteria provided, single submitter. Criteria: Invitae Variant Classification Sherloc (09022015). Collection method: clinical testing. Allele origin: germline.
Comment: This variant is not present in population databases (gnomAD no frequency). This sequence change replaces aspartic acid, which is acidic and polar, with glycine, which is neutral and non-polar, at codon 1117 of the GRIN2D protein (p.Asp1117Gly). This variant has not been reported in the literature in individuals affected with GRIN2D-related conditions. In summary, the available evidence is currently insufficient to determine the role of this variant in disease. Therefore, it has been classified as a Variant of Uncertain Significance. Advanced modeling of protein sequence and biophysical properties (such as structural, functional, and spatial information, amino acid conservation, physicochemical variation, residue mobility, and thermodynamic stability) performed at Invitae indicates that this missense variant is not expected to disrupt GRIN2D protein function.